The following is an entry in ClinVar:

ClinVar aggregate classification (germline): Likely benign. Review status: criteria provided, single submitter (1 of 4 stars). 2 submissions from 2 submitters: Likely benign (1). 1 of the submissions does not count toward it. Last evaluated 2021-07-09.

Conditions:
Inborn genetic diseases. Identifiers: MedGen C0950123, MeSH D030342.
GNAS-related disorder. Identifiers: MedGen CN380105.

Allele frequency attached by ClinVar (database versions not stated): gnomAD exomes 0.00007; TOPMed 0.00007; gnomAD 0.00005; ExAC 0.00023; 1000 Genomes Project 0.00020; 1000 Genomes Project 30x 0.00031.
gnomAD v4.1: 52 of 1,611,508 alleles (0.0032%); highest among the groups gnomAD compares: Admixed American, 0.085%; no homozygotes.

Submissions (2):

Ambry Genetics
Classification: Likely benign for Inborn genetic diseases. Last evaluated: 2021-07-09. Review status: criteria provided, single submitter. Criteria: Ambry Variant Classification Scheme 2023. Collection method: clinical testing. Allele origin: germline.

PreventionGenetics, part of Exact Sciences
Classification: Likely benign for GNAS-related condition. Last evaluated: 2022-01-31. Review status: no assertion criteria provided. Collection method: clinical testing. Allele origin: germline. Not counted in ClinVar's aggregate classification.
Comment: This variant is classified as likely benign based on ACMG/AMP sequence variant interpretation guidelines (Richards et al. 2015 PMID: 25741868, with internal and published modifications).

NM_080425.4(GNAS):c.1700A>G (p.Glu567Gly)

Gene: GNAS (GNAS complex locus; plus strand). Cytogenetic location: 20q13.32.
Variant type: single nucleotide variant.
Coding change: c.1700A>G on transcript NM_080425.4 (MANE Plus Clinical); coding-DNA position 1700, A replaced by G.
Protein change: p.Glu567Gly; replaces glutamic acid 567 with glycine.
Molecular consequence: missense variant. On other transcripts: intron variant (3).
Genome position (GRCh38, 1-based): chr20:58,854,965, A>G. VCF-style: chr20-58854965-A-G. GRCh37 (hg19) VCF-style: chr20-57430020-A-G.
Other names: c.1513A>G, p.Lys505Glu (NM_001077490.3, NM_001309883.1); c.1700A>G, p.Glu567Gly (NM_001410913.1); c.*42+14079A>G (NM_016592.5); c.43+14079A>G (NM_001410912.1); c.-39+13090A>G (NM_001309861.2); short protein forms E567G, K505E.
Identifiers: ClinVar variation 2223471 (VCV002223471.4), dbSNP rs200585625, ClinGen allele CA9926741.